The following is an entry in ClinVar:

ClinVar aggregate classification (germline): Uncertain significance. Review status: criteria provided, multiple submitters, no conflicts (2 of 4 stars). 2 submissions from 2 submitters: Uncertain significance (2). Last evaluated 2026-05-29.

Conditions:
LAMA3-related disorder. Also called: LAMA3-related disorders; LAMA3-related condition.
Inborn genetic diseases. Identifiers: MedGen C0950123, MeSH D030342.

gnomAD v4.1: 3 of 1,613,862 alleles (0.00019%); highest among the groups gnomAD compares: Non-Finnish European, 0.00025%; no homozygotes.

Submissions (2):

PreventionGenetics, part of Exact Sciences
Classification: Uncertain significance for LAMA3-related condition. Last evaluated: 2026-05-29. Review status: criteria provided, single submitter. Criteria: ACMG Guidelines, 2015. Collection method: clinical testing. Allele origin: germline.
Comment: The LAMA3 c.1057C>A variant is predicted to result in the amino acid substitution p.Pro353Thr. To our knowledge, this variant has not been reported in the literature. This variant is reported in 0.00088% of alleles in individuals of European (Non-Finnish) descent in gnomAD. At this time, the clinical significance of this variant is uncertain due to the absence of conclusive functional and genetic evidence.

Ambry Genetics
Classification: Uncertain significance for Inborn genetic diseases. Last evaluated: 2025-08-14. Review status: criteria provided, single submitter. Criteria: Ambry Variant Classification Scheme 2023. Collection method: clinical testing. Allele origin: germline.

NM_198129.4(LAMA3):c.5884C>A (p.Pro1962Thr)

Gene: LAMA3 (laminin subunit alpha 3; plus strand). Cytogenetic location: 18q11.2.
Variant type: single nucleotide variant.
Coding change: c.5884C>A on transcript NM_198129.4 (MANE Select); coding-DNA position 5884, C replaced by A.
Protein change: p.Pro1962Thr; replaces proline 1962 with threonine.
Molecular consequence: missense variant. On other transcripts: intron variant (2).
Genome position (GRCh38, 1-based): chr18:23,899,335, C>A. VCF-style: chr18-23899335-C-A. GRCh37 (hg19) VCF-style: chr18-21479299-C-A.
Other names: c.1057C>A, p.Pro353Thr (NM_000227.6); c.5836+270C>A (NM_001127717.4); c.1057C>A (NM_000227.4); c.1009+270C>A (NM_001127718.4); short protein forms P1962T, P353T.
Identifiers: ClinVar variation 4096142 (VCV004096142.2).